The following is an entry in ClinVar:

NM_015072.5(TTLL5):c.1327G>A (p.Val443Met)

Gene: TTLL5 (tubulin tyrosine ligase like 5; plus strand). Cytogenetic location: 14q24.3.
Variant type: single nucleotide variant.
Coding change: c.1327G>A on transcript NM_015072.5 (MANE Select); coding-DNA position 1327, G replaced by A.
Protein change: p.Val443Met; replaces valine 443 with methionine.
Molecular consequence: missense variant.
Genome position (GRCh38, 1-based): chr14:75,745,140, G>A. VCF-style: chr14-75745140-G-A. GRCh37 (hg19) VCF-style: chr14-76211483-G-A.
Other names: short protein forms V443M.
Identifiers: ClinVar variation 847947 (VCV000847947.8), dbSNP rs150806352, ClinGen allele CA7279350.

ClinVar aggregate classification (germline): Conflicting classifications of pathogenicity. Review status: criteria provided, conflicting classifications (1 of 4 stars). 4 submissions from 4 submitters: Uncertain significance (2); Likely benign (1). 1 of the submissions does not count toward it. Last evaluated 2024-11-15.

Conditions:
TTLL5-related disorder. Also called: TTLL5-related condition.
Inborn genetic diseases. Identifiers: MedGen C0950123, MeSH D030342.

Allele frequency attached by ClinVar (database versions not stated): 1000 Genomes Project 30x 0.00031; TOPMed 0.00033; ESP Exome Variant Server 0.00038.
gnomAD v4.1: 893 of 1,613,892 alleles (0.055%); highest among the groups gnomAD compares: Non-Finnish European, 0.064%; no homozygotes.

Submissions (4):

Blueprint Genetics
Classification: Likely benign. Last evaluated: 2024-11-15. Review status: criteria provided, single submitter. Criteria: ACMG Guidelines, 2015. Collection method: clinical testing. Allele origin: germline.

Labcorp Genetics (formerly Invitae), Labcorp
Classification: Uncertain significance. Last evaluated: 2022-09-13. Review status: criteria provided, single submitter. Criteria: Invitae Variant Classification Sherloc (09022015). Collection method: clinical testing. Allele origin: germline.
Comment: This sequence change replaces valine, which is neutral and non-polar, with methionine, which is neutral and non-polar, at codon 443 of the TTLL5 protein (p.Val443Met). This variant is present in population databases (rs150806352, gnomAD 0.2%). This variant has not been reported in the literature in individuals affected with TTLL5-related conditions. ClinVar contains an entry for this variant (Variation ID: 847947). Advanced modeling of protein sequence and biophysical properties (such as structural, functional, and spatial information, amino acid conservation, physicochemical variation, residue mobility, and thermodynamic stability) performed at Invitae indicates that this missense variant is not expected to disrupt TTLL5 protein function. In summary, the available evidence is currently insufficient to determine the role of this variant in disease. Therefore, it has been classified as a Variant of Uncertain Significance.

Ambry Genetics
Classification: Uncertain significance for Inborn genetic diseases. Last evaluated: 2021-10-18. Review status: criteria provided, single submitter. Criteria: Ambry Variant Classification Scheme 2023. Collection method: clinical testing. Allele origin: germline.

PreventionGenetics, part of Exact Sciences
Classification: Likely benign for TTLL5-related condition. Last evaluated: 2024-08-21. Review status: no assertion criteria provided. Collection method: clinical testing. Allele origin: germline. Not counted in ClinVar's aggregate classification.
Comment: This variant is classified as likely benign based on ACMG/AMP sequence variant interpretation guidelines (Richards et al. 2015 PMID: 25741868, with internal and published modifications).